The following is an entry in ClinVar:

ClinVar aggregate classification (germline): Uncertain significance. Review status: criteria provided, multiple submitters, no conflicts (2 of 4 stars). 2 submissions from 2 submitters: Uncertain significance (2). Last evaluated 2024-11-28.

Conditions:
Developmental and epileptic encephalopathy, 23 (DEE23). Also called: Epileptic encephalopathy, early infantile, 23. Identifiers: Orphanet 411986, MedGen C4014492, MONDO:0014371, OMIM 615859.
Inborn genetic diseases. Identifiers: MedGen C0950123, MeSH D030342.

Allele frequency attached by ClinVar (database versions not stated): ExAC 0.00002; gnomAD 0.00003; gnomAD exomes 0.00003; TOPMed 0.00004.
gnomAD v4.1: 74 of 1,607,512 alleles (0.0046%); highest among the groups gnomAD compares: Non-Finnish European, 0.0055%; no homozygotes.

Submissions (2):

Ambry Genetics
Classification: Uncertain significance for Inborn genetic diseases. Last evaluated: 2024-11-28. Review status: criteria provided, single submitter. Criteria: Ambry Variant Classification Scheme 2023. Collection method: clinical testing. Allele origin: germline.

Labcorp Genetics (formerly Invitae), Labcorp
Classification: Uncertain significance for Developmental and epileptic encephalopathy, 23. Last evaluated: 2022-05-11. Review status: criteria provided, single submitter. Criteria: Invitae Variant Classification Sherloc (09022015). Collection method: clinical testing. Allele origin: germline.
Comment: This sequence change replaces arginine, which is basic and polar, with glutamine, which is neutral and polar, at codon 250 of the DOCK7 protein (p.Arg250Gln). This variant is present in population databases (rs750570185, gnomAD 0.004%). This variant has not been reported in the literature in individuals affected with DOCK7-related conditions. ClinVar contains an entry for this variant (Variation ID: 571152). Algorithms developed to predict the effect of missense changes on protein structure and function are either unavailable or do not agree on the potential impact of this missense change (SIFT: "Deleterious"; PolyPhen-2: "Probably Damaging"; Align-GVGD: "Class C0"). In summary, the available evidence is currently insufficient to determine the role of this variant in disease. Therefore, it has been classified as a Variant of Uncertain Significance.

NM_001367561.1(DOCK7):c.749G>A (p.Arg250Gln)

Gene: DOCK7 (dedicator of cytokinesis 7; minus strand). Cytogenetic location: 1p31.3.
Variant type: single nucleotide variant.
Coding change: c.749G>A on transcript NM_001367561.1 (MANE Select); coding-DNA position 749, G replaced by A.
Protein change: p.Arg250Gln; replaces arginine 250 with glutamine.
Molecular consequence: missense variant.
Genome position (GRCh38, 1-based): chr1:62,647,760, C>T on the plus strand (G>A on the coding strand, the complement: DOCK7 is on the minus strand). VCF-style: chr1-62647760-C-T. GRCh37 (hg19) VCF-style: chr1-63113431-C-T.
Other names: c.749G>A, p.Arg250Gln (NM_001271999.2, NM_001272000.2, NM_001272001.2 and 3 more transcripts); c.749G>A (NM_033407.2); short protein forms R250Q.
Identifiers: ClinVar variation 571152 (VCV000571152.10), dbSNP rs750570185, ClinGen allele CA887121.